The following is an entry in ClinVar:

NM_152703.5(SAMD9L):c.601G>A (p.Ala201Thr)

Gene: SAMD9L (sterile alpha motif domain containing 9 like; minus strand). Cytogenetic location: 7q21.2.
Variant type: single nucleotide variant.
Coding change: c.601G>A on transcript NM_152703.5 (MANE Select); coding-DNA position 601, G replaced by A.
Protein change: p.Ala201Thr; replaces alanine 201 with threonine.
Molecular consequence: missense variant.
Genome position (GRCh38, 1-based): chr7:93,135,371, C>T on the plus strand (G>A on the coding strand, the complement: SAMD9L is on the minus strand). VCF-style: chr7-93135371-C-T. GRCh37 (hg19) VCF-style: chr7-92764684-C-T.
Other names: c.601G>A, p.Ala201Thr (NM_001303496.3, NM_001303497.3, NM_001303498.3 and 5 more transcripts); short protein forms A201T.
Identifiers: ClinVar variation 4630112 (VCV004630112.1).
Genomic context (GRCh38, chr7:93,135,371, plus strand): 5'-CTTCATTGCTGAATTTCATCTTAATGTCCACTTCCGTGGCTGTTTCTGTGTTTGTGAGAG[C>T]TTTGAACTCATGTATTGGATCAATGAGATTGAGTGCTCCTGTTTCAGGTTGTAGAGTATA-3'
Protein context (NP_689916.2, residues 191-211): NLIDPIHEFK[Ala201Thr]LTNTETATEV

ClinVar aggregate classification (germline): Uncertain significance (1 of 4 stars; one submission).

Conditions:
Inborn genetic diseases. Identifiers: MedGen C0950123, MeSH D030342.

Submission:

Ambry Genetics
Classification: Uncertain significance for Inborn genetic diseases. Last evaluated: 2025-11-11. Review status: criteria provided, single submitter. Criteria: Ambry Variant Classification Scheme 2023. Collection method: clinical testing. Allele origin: germline.
Comment: The p.A201T variant (also known as c.601G>A), located in coding exon 1 of the SAMD9L gene, results from a G to A substitution at nucleotide position 601. The alanine at codon 201 is replaced by threonine, an amino acid with similar properties. This amino acid position is conserved. In addition, this alteration is predicted to be tolerated by in silico analysis. Based on the available evidence, the clinical significance of this variant remains unclear.